The following is an entry in ClinVar:

ClinVar aggregate classification (germline): Conflicting classifications of pathogenicity. Review status: criteria provided, conflicting classifications (1 of 4 stars). 5 submissions from 5 submitters: Uncertain significance (4); Benign (1). Last evaluated 2026-01-31.

Conditions:
CDK4-related cutaneous melanoma. Identifiers: MedGen CN379167.
Familial melanoma. Also called: Hereditary melanoma; Hereditary cutaneous melanoma. Identifiers: Orphanet 618, MedGen C1512419, MONDO:0018961.
Hereditary cancer-predisposing syndrome. Also called: Hereditary Cancer Syndrome; Tumor predisposition; Hereditary neoplastic syndrome; Neoplastic Syndromes, Hereditary. Identifiers: Orphanet 140162, MedGen C0027672, MeSH D009386, MONDO:0015356.
Ovarian cancer. Also called: OVARIAN CANCER, SOMATIC. Identifiers: Orphanet 213500, MedGen C1140680, MONDO:0008170, OMIM 167000.

Allele frequency attached by ClinVar (database versions not stated): gnomAD 0.00001; gnomAD exomes 0.00002; TOPMed 0.00002.

Submissions (5):

Labcorp Genetics (formerly Invitae), Labcorp
Classification: Uncertain significance for Familial melanoma. Last evaluated: 2026-01-31. Review status: criteria provided, single submitter. Criteria: Invitae Variant Classification Sherloc (09022015). Collection method: clinical testing. Allele origin: germline.
Comment: This sequence change replaces serine, which is neutral and polar, with leucine, which is neutral and non-polar, at codon 267 of the CDK4 protein (p.Ser267Leu). This variant is not present in population databases (gnomAD no frequency). This variant has not been reported in the literature in individuals affected with CDK4-related conditions. ClinVar contains an entry for this variant (Variation ID: 439048). Invitae Evidence Modeling of protein sequence and biophysical properties (such as structural, functional, and spatial information, amino acid conservation, physicochemical variation, residue mobility, and thermodynamic stability) indicates that this missense variant is not expected to disrupt CDK4 protein function with a negative predictive value of 95%. In summary, the available evidence is currently insufficient to determine the role of this variant in disease. Therefore, it has been classified as a Variant of Uncertain Significance.

Ambry Genetics
Classification: Uncertain significance for Hereditary cancer-predisposing syndrome. Last evaluated: 2025-03-30. Review status: criteria provided, single submitter. Criteria: Ambry Variant Classification Scheme 2023. Collection method: clinical testing. Allele origin: germline.
Comment: The p.S267L variant (also known as c.800C>T), located in coding exon 6 of the CDK4 gene, results from a C to T substitution at nucleotide position 800. The serine at codon 267 is replaced by leucine, an amino acid with dissimilar properties. This amino acid position is not well conserved in available vertebrate species. In addition, this alteration is predicted to be tolerated by in silico analysis. Since supporting evidence is limited at this time, the clinical significance of this alteration remains unclear.

Quest Diagnostics Nichols Institute San Juan Capistrano
Classification: Uncertain significance. Last evaluated: 2024-10-31. Review status: criteria provided, single submitter. Criteria: Quest Diagnostics criteria. Collection method: clinical testing. Allele origin: unknown.
Comment: The frequency of this variant in the general population, 0.0000066 (1/152168 chromosomes (Genome Aggregation Database)), is uninformative in the assessment of its pathogenicity. Analysis of this variant using bioinformatics tools for the prediction of the effect of amino acid changes on protein structure and function yielded predictions that this variant is benign. Based on the available information, we are unable to determine the clinical significance of this variant.

GeneDx
Classification: Uncertain significance. Last evaluated: 2024-02-11. Review status: criteria provided, single submitter. Criteria: GeneDx Variant Classification Process June 2021. Collection method: clinical testing. Allele origin: germline.
Comment: Not observed at significant frequency in large population cohorts (gnomAD); In silico analysis supports that this missense variant does not alter protein structure/function; Has not been previously published as pathogenic or benign to our knowledge

Laboratory of Molecular Epidemiology of Birth Defects, West China Second University Hospital, Sichuan University
Classification: Benign for Ovarian cancer. Last evaluated: 2022-01-01. Review status: criteria provided, single submitter. Criteria: ACMG Guidelines, 2015. Collection method: clinical testing. Allele origin: germline. Affected: yes.

Literature cited by the submitters: PubMed 38509102 (cited by Quest Diagnostics Nichols Institute San Juan Capistrano); PubMed 25186627 (cited by Quest Diagnostics Nichols Institute San Juan Capistrano).

NM_000075.4(CDK4):c.800C>T (p.Ser267Leu)

Genes: CDK4 (cyclin dependent kinase 4; minus strand), TSPAN31 (tetraspanin 31; plus strand). Cytogenetic location: 12q14.1.
Variant type: single nucleotide variant.
Coding change: c.800C>T on transcript NM_000075.4 (MANE Select); coding-DNA position 800, C replaced by T.
Protein change: p.Ser267Leu; replaces serine 267 with leucine.
Molecular consequence: missense variant. On other transcripts: 3 prime UTR variant (3).
Genome position (GRCh38, 1-based): chr12:57,749,201, G>A on the plus strand (C>T on the coding strand, the complement: CDK4 is on the minus strand). VCF-style: chr12-57749201-G-A. GRCh37 (hg19) VCF-style: chr12-58142984-G-A.
Other names: c.*1911G>A (NM_001330168.2, NM_001330169.2, NM_005981.5); short protein forms S267L.
Identifiers: ClinVar variation 439048 (VCV000439048.22), dbSNP rs1157646541, ClinGen allele CA385543003.